The following is an entry in ClinVar:

ClinVar aggregate classification (germline): Conflicting classifications of pathogenicity. Review status: criteria provided, conflicting classifications (1 of 4 stars). 5 submissions from 5 submitters: Likely pathogenic (4); Uncertain significance (1). Last evaluated 2025-06-02.

Conditions:
Sucrase-isomaltase deficiency (CSID). Also called: Deficiency of isomaltase; Congenital sucrose isomaltose malabsorption; Sucrose isomaltose enzyme deficiency; SI DEFICIENCY. Identifiers: Orphanet 35122, MedGen C1283620, MONDO:0009114, OMIM 222900.
SI-related disorder. Also called: SI-related condition.

gnomAD v4.1: 7 of 932,828 alleles (0.00075%); highest among the groups gnomAD compares: Non-Finnish European, 0.0009%; no homozygotes.

Submissions (5):

Labcorp Genetics (formerly Invitae), Labcorp
Classification: Likely pathogenic. Last evaluated: 2025-06-02. Review status: criteria provided, single submitter. Criteria: Invitae Variant Classification Sherloc (09022015). Collection method: clinical testing. Allele origin: germline.
Comment: This sequence change affects an acceptor splice site in intron 24 of the SI gene. It is expected to disrupt RNA splicing. Variants that disrupt the donor or acceptor splice site typically lead to a loss of protein function (PMID: 16199547), and loss-of-function variants in SI are known to be pathogenic (PMID: 16329100, 23103650, 25452324). This variant is present in population databases (no rsID available, gnomAD 0.002%). Disruption of this splice site has been observed in individual(s) with clinical features of congenital sucrase-isomaltase deficiency (PMID: 37349966). ClinVar contains an entry for this variant (Variation ID: 1491905). Algorithms developed to predict the effect of sequence changes on RNA splicing suggest that this variant may disrupt the consensus splice site. In summary, the currently available evidence indicates that the variant is pathogenic, but additional data are needed to prove that conclusively. Therefore, this variant has been classified as Likely Pathogenic.

PreventionGenetics, part of Exact Sciences
Classification: Likely pathogenic for SI-related condition. Last evaluated: 2024-12-22. Review status: criteria provided, single submitter. Criteria: ACMG Guidelines, 2015. Collection method: clinical testing. Allele origin: germline.
Comment: The SI c.2737-1G>C variant is predicted to disrupt the AG splice acceptor site and interfere with normal splicing. This variant has been reported in the compound heterozygous state in an individual with diarrhea and growth retardation (Taskin et al. 2023. PubMed ID: 37349966). This variant is reported in 0.0024% of alleles in individuals of European (Non-Finnish) descent in gnomAD. Variants that disrupt the consensus splice acceptor site in SI are expected to be pathogenic. This variant is interpreted as likely pathogenic.

Blueprint Genetics
Classification: Uncertain significance. Last evaluated: 2024-10-14. Review status: criteria provided, single submitter. Criteria: ACMG Guidelines, 2015. Collection method: clinical testing. Allele origin: germline.

Institute of Human Genetics Munich, TUM University Hospital
Classification: Likely pathogenic for Sucrase-isomaltase deficiency. Last evaluated: 2022-06-21. Review status: criteria provided, single submitter. Criteria: Classification criteria August 2017. Collection method: clinical testing. Allele origin: germline. Inheritance: Autosomal recessive inheritance. Affected: yes. Observed: 1 variant allele.

Fulgent Genetics
Classification: Likely pathogenic for Sucrase-isomaltase deficiency. Last evaluated: 2022-05-02. Review status: criteria provided, single submitter. Criteria: ACMG Guidelines, 2015. Collection method: clinical testing. Allele origin: unknown.

Literature cited by the submitters: PubMed 16199547 (cited by Labcorp Genetics (formerly Invitae), Labcorp); PubMed 16329100 (cited by Labcorp Genetics (formerly Invitae), Labcorp); PubMed 23103650 (cited by Labcorp Genetics (formerly Invitae), Labcorp); PubMed 25452324 (cited by Labcorp Genetics (formerly Invitae), Labcorp); PubMed 37349966 (cited by Labcorp Genetics (formerly Invitae), Labcorp).

NM_001041.4(SI):c.2737-1G>C

Gene: SI (sucrase-isomaltase; minus strand). Cytogenetic location: 3q26.1.
Variant type: single nucleotide variant.
Coding change: c.2737-1G>C on transcript NM_001041.4 (MANE Select); the canonical splice acceptor site of the intron before coding-DNA position 2737, G replaced by C.
Molecular consequence: splice acceptor variant.
Genome position (GRCh38, 1-based): chr3:165,030,868, C>G on the plus strand (G>C on the coding strand, the complement: SI is on the minus strand). VCF-style: chr3-165030868-C-G. GRCh37 (hg19) VCF-style: chr3-164748656-C-G.
Other names: c.2737-1G>C (NM_001041.3).
Identifiers: ClinVar variation 1491905 (VCV001491905.10), dbSNP rs1294620045, ClinGen allele CA355046013.